The following is an entry in ClinVar:

ClinVar aggregate classification (germline): Uncertain significance (1 of 4 stars; one submission).

Submission:

Dasa
Classification: Uncertain significance. Last evaluated: 2024-02-28. Review status: criteria provided, single submitter. Criteria: DASA Assertion Criteria. Collection method: clinical testing. Allele origin: germline.
Comment: NM_001109878.2(TBX22):c.863+6C>T is a splice-region variant. This variant is rare in population databases. Computational prediction algorithms are consistent with a benign effect. The currently available literature and clinical evidence are not sufficient to establish a definitive association between this variant and the reported condition. Therefore, this variant is classified as a variant of uncertain significance.

NM_001109878.2(TBX22):c.863+6C>T

Gene: TBX22 (T-box transcription factor 22). Cytogenetic location: Xq21.1.
Variant type: single nucleotide variant.
Coding change: c.863+6C>T on transcript NM_001109878.2 (MANE Select); 6 bases into the intron after coding-DNA position 863, C replaced by T.
Molecular consequence: intron variant.
Genome position (GRCh38, 1-based): chrX:80,027,326, C>T. VCF-style: chrX-80027326-C-T. GRCh37 (hg19) VCF-style: chrX-79282825-C-T.
Other names: c.503+6C>T (NM_001109879.2, NM_001303475.1); c.863+6C>T (NM_016954.2).
Identifiers: ClinVar variation 4885515 (VCV004885515.2).